The following is an entry in ClinVar:

NM_013275.6(ANKRD11):c.375C>T (p.Ala125=)

Gene: ANKRD11 (ankyrin repeat domain 11; minus strand). Cytogenetic location: 16q24.3.
Variant type: single nucleotide variant.
Coding change: c.375C>T on transcript NM_013275.6 (MANE Select); coding-DNA position 375, C replaced by T.
Protein change: p.Ala125=; no amino-acid change (alanine 125 retained).
Molecular consequence: synonymous variant. On other transcripts: non-coding transcript variant (1).
Genome position (GRCh38, 1-based): chr16:89,291,035, G>A on the plus strand (C>T on the coding strand, the complement: ANKRD11 is on the minus strand). VCF-style: chr16-89291035-G-A. GRCh37 (hg19) VCF-style: chr16-89357443-G-A.
Other names: c.375C>T, p.Ala125= (NM_001256182.2, NM_001256183.2).
Identifiers: ClinVar variation 585410 (VCV000585410.47), dbSNP rs768468182, ClinGen allele CA8243108.

ClinVar aggregate classification (germline): Likely benign. Review status: criteria provided, multiple submitters, no conflicts (2 of 4 stars). 6 submissions from 6 submitters: Likely benign (6). Last evaluated 2024-12-24.

Conditions:
KBG syndrome (KBGS). Also called: ANKRD11-Related KBG Syndrome. Identifiers: Orphanet 2332, MedGen C0220687, MONDO:0007846, OMIM 148050.
Inborn genetic diseases. Identifiers: MedGen C0950123, MeSH D030342.

Allele frequency attached by ClinVar (database versions not stated): ExAC 0.00003; gnomAD 0.00003; TOPMed 0.00003.
gnomAD v4.1: 44 of 1,612,144 alleles (0.0027%); highest among the groups gnomAD compares: Admixed American, 0.0067%; no homozygotes.

Submissions (6):

Labcorp Genetics (formerly Invitae), Labcorp
Classification: Likely benign for KBG syndrome. Last evaluated: 2024-12-24. Review status: criteria provided, single submitter. Criteria: Invitae Variant Classification Sherloc (09022015). Collection method: clinical testing. Allele origin: germline.

CeGaT Center for Human Genetics Tuebingen
Classification: Likely benign. Last evaluated: 2023-11-01. Review status: criteria provided, single submitter. Criteria: CeGaT Center For Human Genetics Tuebingen Variant Classification Criteria Version 2. Collection method: clinical testing. Allele origin: germline. Affected: yes. Observed: 2 variant alleles.
Comment: ANKRD11: BP4, BP7

Blueprint Genetics
Classification: Likely benign. Last evaluated: 2023-07-10. Review status: criteria provided, single submitter. Criteria: ACMG Guidelines, 2015. Collection method: clinical testing. Allele origin: germline.

GeneDx
Classification: Likely benign. Last evaluated: 2021-01-04. Review status: criteria provided, single submitter. Criteria: GeneDx Variant Classification Process June 2021. Collection method: clinical testing. Allele origin: germline. Affected: yes.

Athena Diagnostics
Classification: Likely benign. Last evaluated: 2018-01-26. Review status: criteria provided, single submitter. Criteria: Athena Diagnostics Criteria. Collection method: clinical testing. Allele origin: germline.

Ambry Genetics
Classification: Likely benign for Inborn genetic diseases. Last evaluated: 2016-10-04. Review status: criteria provided, single submitter. Criteria: Ambry Variant Classification Scheme 2023. Collection method: clinical testing. Allele origin: germline.